The following is an entry in ClinVar:

ClinVar aggregate classification (germline): Benign/Likely benign. Review status: criteria provided, multiple submitters, no conflicts (2 of 4 stars). 3 submissions from 3 submitters: Benign (1); Likely benign (1). 1 of the submissions does not count toward it. Last evaluated 2025-04-27.

Conditions:
COL2A1-related disorder. Also called: COL2A1-related condition; COL2A1-related disorders.

Submissions (3):

Labcorp Genetics (formerly Invitae), Labcorp
Classification: Benign. Last evaluated: 2025-04-27. Review status: criteria provided, single submitter. Criteria: Invitae Variant Classification Sherloc (09022015). Collection method: clinical testing. Allele origin: germline.

Blueprint Genetics
Classification: Likely benign. Last evaluated: 2024-11-06. Review status: criteria provided, single submitter. Criteria: ACMG Guidelines, 2015. Collection method: clinical testing. Allele origin: germline.

PreventionGenetics, part of Exact Sciences
Classification: Likely benign for COL2A1-related condition. Last evaluated: 2019-06-10. Review status: no assertion criteria provided. Collection method: clinical testing. Allele origin: germline. Not counted in ClinVar's aggregate classification.
Comment: This variant is classified as likely benign based on ACMG/AMP sequence variant interpretation guidelines (Richards et al. 2015 PMID: 25741868, with internal and published modifications).

NM_001844.5(COL2A1):c.763-19TC[5]

Gene: COL2A1 (collagen type II alpha 1 chain; minus strand). Cytogenetic location: 12q13.11.
Variant type: Microsatellite.
Coding change: c.763-19TC[5] on transcript NM_001844.5 (MANE Select); five copies in a row of the 2-base unit TC starting at c.763-19; the reference has six copies in a row; one copy, 2 bases deleted.
Molecular consequence: intron variant.
Genome position (GRCh38, 1-based): chr12:47,994,485-47,994,486, GA deleted on the plus strand (TC on the coding strand, the reverse complement: COL2A1 is on the minus strand); deleting any 2 consecutive bases within chr12:47,994,485-47,994,496 gives the same sequence; the position shown is the placement nearest the transcript's 3' end. VCF-style (leftmost placement, unchanged base first): chr12-47994484-GGA-G. GRCh37 (hg19) VCF-style: chr12-48388267-GGA-G.
Other names: c.763-9_763-8del (NM_001844.4); c.556-19TC[5] (NM_033150.3).
Identifiers: ClinVar variation 708146 (VCV000708146.13), dbSNP rs139162796, ClinGen allele CA6535786.